The following is an entry in ClinVar:

NM_021930.6(RINT1):c.2353del (p.Thr785fs)

Genes: EFCAB10 (EF-hand calcium binding domain 10; minus strand), RINT1 (RAD50 interactor 1; plus strand). Cytogenetic location: 7q22.3.
Variant type: Deletion.
Coding change: c.2353del on transcript NM_021930.6 (MANE Select); coding-DNA position 2353, one base deleted (A; older notation c.2353delA).
Protein change: p.Thr785fs; shifts the reading frame from threonine 785.
Molecular consequence: frameshift variant. On other transcripts: non-coding transcript variant (1), intron variant (3), 3 prime UTR variant (2).
Genome position (GRCh38, 1-based): chr7:105,567,285, A deleted. VCF-style (leftmost placement, unchanged base first): chr7-105567284-GA-G. GRCh37 (hg19) VCF-style: chr7-105207731-GA-G.
Other names: c.360-1838del (NM_001355531.2); c.383+182del (NM_001355526.2, NM_001355530.2); c.*169del (NM_001355527.2, NM_001355529.2); c.2119del, p.Thr707fs (NM_001346599.2); c.1330del, p.Thr444fs (NM_001346600.2, NM_001346603.2); c.1429del, p.Thr477fs (NM_001346601.2); short protein forms T444fs, T477fs, T707fs, T785fs.
Identifiers: ClinVar variation 2418052 (VCV002418052.8), dbSNP rs1188366297, ClinGen allele CA830966259.

ClinVar aggregate classification (germline): Uncertain significance. Review status: criteria provided, multiple submitters, no conflicts (2 of 4 stars). 2 submissions from 2 submitters: Uncertain significance (2). Last evaluated 2026-07-31.

Allele frequency attached by ClinVar (database versions not stated): TOPMed below 0.00001; gnomAD 0.00001.

Submissions (2):

Ambry Genetics
Classification: Uncertain significance. Last evaluated: 2026-07-31. Review status: criteria provided, single submitter. Criteria: Ambry Variant Classification Scheme 2023. Collection method: clinical testing. Allele origin: germline.
Comment: The c.2353delA variant, located in coding exon 15 of the RINT1 gene, results from a deletion of one nucleotide at nucleotide position 2353, causing a translational frameshift with a predicted alternate stop codon (p.T785Qfs*37). This variant occurs at the 3' terminus of the gene and is not expected to trigger nonsense-mediated mRNA decay. The evidence for this gene-disease relationship is limited; therefore, the clinical significance of this variant is unclear.

Labcorp Genetics (formerly Invitae), Labcorp
Classification: Uncertain significance. Last evaluated: 2022-10-08. Review status: criteria provided, single submitter. Criteria: Invitae Variant Classification Sherloc (09022015). Collection method: clinical testing. Allele origin: germline.
Comment: This sequence change results in a frameshift in the RINT1 gene (p.Thr785Glnfs*37). While this is not anticipated to result in nonsense mediated decay, it is expected to disrupt the last 8 amino acid(s) of the RINT1 protein and extend the protein by 28 additional amino acid residues. In summary, the available evidence is currently insufficient to determine the role of this variant in disease. Therefore, it has been classified as a Variant of Uncertain Significance. Experimental studies and prediction algorithms are not available or were not evaluated, and the functional significance of this variant is currently unknown. This variant has not been reported in the literature in individuals affected with RINT1-related conditions. This variant is not present in population databases (gnomAD no frequency).